The following is an entry in ClinVar:

NM_020738.4(KIDINS220):c.4864C>T (p.His1622Tyr)

Gene: KIDINS220 (kinase D interacting substrate 220; minus strand). Cytogenetic location: 2p25.1.
Variant type: single nucleotide variant.
Coding change: c.4864C>T on transcript NM_020738.4 (MANE Select); coding-DNA position 4864, C replaced by T.
Protein change: p.His1622Tyr; replaces histidine 1622 with tyrosine.
Molecular consequence: missense variant. On other transcripts: intron variant (6).
Genome position (GRCh38, 1-based): chr2:8,731,172, G>A on the plus strand (C>T on the coding strand, the complement: KIDINS220 is on the minus strand). VCF-style: chr2-8731172-G-A. GRCh37 (hg19) VCF-style: chr2-8871302-G-A.
Other names: c.4864C>T (NM_020738.2); c.4867C>T, p.His1623Tyr (NM_001348729.2); c.4810C>T, p.His1604Tyr (NM_001348731.2); c.4807C>T, p.His1603Tyr (NM_001348732.2); c.4696C>T, p.His1566Tyr (NM_001348734.2); c.4693C>T, p.His1565Tyr (NM_001348735.2); c.4567C>T, p.His1523Tyr (NM_001348736.2); c.3882+2272C>T (NM_001348741.2, NM_001348742.2, NM_001348743.2); and 2 more; short protein forms H1622Y, H1604Y, H1566Y, H1623Y, H1523Y, H1565Y, H1603Y.
Identifiers: ClinVar variation 2191049 (VCV002191049.6), dbSNP rs372833860, ClinGen allele CA1519297.

ClinVar aggregate classification (germline): Uncertain significance. Review status: criteria provided, multiple submitters, no conflicts (2 of 4 stars). 2 submissions from 2 submitters: Uncertain significance (2). Last evaluated 2025-10-28.

Conditions:
KIDINS220-related disorder. Also called: KIDINS220-related condition.

Allele frequency attached by ClinVar (database versions not stated): ExAC 0.00005; TOPMed 0.00012; gnomAD 0.00013; 1000 Genomes Project 30x 0.00016; ESP Exome Variant Server 0.00016; 1000 Genomes Project 0.00020.
gnomAD v4.1: 42 of 1,614,190 alleles (0.0026%); highest among the groups gnomAD compares: African/African-American, 0.04%; 1 homozygote.

Submissions (2):

PreventionGenetics, part of Exact Sciences
Classification: Uncertain significance for KIDINS220-related condition. Last evaluated: 2025-10-28. Review status: criteria provided, single submitter. Criteria: ACMG Guidelines, 2015. Collection method: clinical testing. Allele origin: germline.
Comment: The KIDINS220 c.4864C>T variant is predicted to result in the amino acid substitution p.His1622Tyr. To our knowledge, this variant has not been reported in the literature. This variant is reported in 0.037% of alleles in individuals of African descent in gnomAD. Although we suspect that this variant may be benign, at this time, the clinical significance of this variant is uncertain due to the absence of conclusive functional and genetic evidence.

Labcorp Genetics (formerly Invitae), Labcorp
Classification: Uncertain significance. Last evaluated: 2024-09-27. Review status: criteria provided, single submitter. Criteria: Invitae Variant Classification Sherloc (09022015). Collection method: clinical testing. Allele origin: germline.
Comment: This sequence change replaces histidine, which is basic and polar, with tyrosine, which is neutral and polar, at codon 1622 of the KIDINS220 protein (p.His1622Tyr). This variant is present in population databases (rs372833860, gnomAD 0.05%). This variant has not been reported in the literature in individuals affected with KIDINS220-related conditions. ClinVar contains an entry for this variant (Variation ID: 2191049). An algorithm developed to predict the effect of missense changes on protein structure and function (PolyPhen-2) suggests that this variant is likely to be tolerated. In summary, the available evidence is currently insufficient to determine the role of this variant in disease. Therefore, it has been classified as a Variant of Uncertain Significance.